The following is an entry in ClinVar:

ClinVar aggregate classification (germline): Conflicting classifications of pathogenicity. Review status: criteria provided, conflicting classifications (1 of 4 stars). 2 submissions from 2 submitters: Likely pathogenic (1); Uncertain significance (1). Last evaluated 2025-05-12.

Conditions:
alpha Thalassemia. Also called: Alpha thalassemia spectrum. Identifiers: Orphanet 846, MedGen C0002312, MONDO:0011399, OMIM 604131.

Submissions (2):

Women's Health and Genetics/Laboratory Corporation of America, LabCorp
Classification: Uncertain significance. Last evaluated: 2025-05-12. Review status: criteria provided, single submitter. Criteria: LabCorp Variant Classification Summary - May 2015. Collection method: clinical testing. Allele origin: germline.
Comment: Variant summary: HBA1 c.98T>G (p.Met33Arg) results in a non-conservative amino acid change located in the Globin-like domain (IPR009050) of the encoded protein sequence. Algorithms developed to predict the effect of missense changes on protein structure and function all suggest that this variant is likely to be disruptive. Consensus agreement among computation tools predict no significant impact on normal splicing. However, these predictions have yet to be confirmed by functional studies. The variant was absent in 129824 control chromosomes. The available data on variant occurrences in the general population are insufficient to allow any conclusion about variant significance. To our knowledge, no occurrence of c.98T>G in individuals affected with Alpha Thalassemia and no experimental evidence demonstrating its impact on protein function have been reported. ClinVar contains an entry for this variant (Variation ID: 3338673). Based on the evidence outlined above, the variant was classified as uncertain significance.

Molecular Genetics and NGS Laboratory, Hospital Fundacion Valle Del Lili
Classification: Likely pathogenic for alpha Thalassemia. Last evaluated: 2024-09-05. Review status: criteria provided, single submitter. Criteria: ACMG Guidelines, 2015. Collection method: clinical testing. Allele origin: germline. Affected: yes. Observed: 1 variant allele.
Comment: Alternative variant chr16:176932 G⇒A (Met33Ile) is classified Likely Pathogenic, 1 star, by ClinVar but is classified Uncertain Significance by the germline classifier. Alternative variant chr16:176931 T⇒A (Met33Lys) is classified Pathogenic by LOVD (confirmed using the germline classifier).2 pathogenic alternative variants identified (PM5).MetaRNN = 0.99 is greater than 0.939 ⇒ strong pathogenic (the variant is not predicted splicing: MaxEntScan = 0.699 is less than 1.59) (PP3).

NM_000558.5(HBA1):c.98T>G (p.Met33Arg)

Genes: HBA1 (hemoglobin subunit alpha 1; plus strand), LOC106804613 (hemoglobin subunit alpha 1 recombination region; plus strand). Cytogenetic location: 16p13.3.
Variant type: single nucleotide variant.
Coding change: c.98T>G on transcript NM_000558.5 (MANE Select); coding-DNA position 98, T replaced by G.
Protein change: p.Met33Arg; replaces methionine 33 with arginine.
Molecular consequence: missense variant.
Genome position (GRCh38, 1-based): chr16:176,931, T>G. VCF-style: chr16-176931-T-G. GRCh37 (hg19) VCF-style: chr16-226930-T-G.
Other names: p.Met33Arg; short protein forms M33R.
Identifiers: ClinVar variation 3338673 (VCV003338673.3).
Genomic context (GRCh38, chr16:176,931, plus strand): 5'-CCTCAACCGTCCTGGCCCCGGACCCAAACCCCACCCCTCACTCTGCTTCTCCCCGCAGGA[T>G]GTTCCTGTCCTTCCCCACCACCAAGACCTACTTCCCGCACTTCGACCTGAGCCACGGCTC-3'
Protein context (NP_000549.1, residues 23-43): GEYGAEALER[Met33Arg]FLSFPTTKTY